The following is an entry in ClinVar:

ClinVar aggregate classification (germline): Conflicting classifications of pathogenicity. Review status: criteria provided, conflicting classifications (1 of 4 stars). 3 submissions from 3 submitters: Likely pathogenic (1); Uncertain significance (2). Last evaluated 2026-06-11.

Conditions:
PHEX-related disorder. Also called: PHEX-related condition.

Submissions (3):

Women's Health and Genetics/Laboratory Corporation of America, LabCorp
Classification: Uncertain significance. Last evaluated: 2026-06-11. Review status: criteria provided, single submitter. Criteria: LabCorp Variant Classification Summary - May 2015. Collection method: clinical testing. Allele origin: germline.
Comment: Variant summary: PHEX c.1645+4A>C alters a conserved nucleotide located close to a canonical splice site and therefore could affect mRNA splicing, leading to a significantly altered protein sequence. Several computational tools predict a significant impact on normal splicing: One predict the variant abolishes a 5' splicing donor site. Three predict the variant weakens a 5' donor site. However, these predictions have yet to be confirmed by functional studies. The variant was absent in 183308 control chromosomes. The available data on variant occurrences in the general population are insufficient to allow any conclusion about variant significance. To our knowledge, no occurrence of c.1645+4A>C in individuals affected with PHEX-related conditions and no experimental evidence demonstrating its impact on protein function have been reported. ClinVar contains an entry for this variant (Variation ID: 1523164). Based on the evidence outlined above, the variant was classified as uncertain significance.

Labcorp Genetics (formerly Invitae), Labcorp
Classification: Uncertain significance. Last evaluated: 2021-04-05. Review status: criteria provided, single submitter. Criteria: Invitae Variant Classification Sherloc (09022015). Collection method: clinical testing. Allele origin: germline.
Comment: This variant is not present in population databases (ExAC no frequency). This sequence change falls in intron 15 of the PHEX gene. It does not directly change the encoded amino acid sequence of the PHEX protein. It affects a nucleotide within the consensus splice site of the intron. This variant has been observed in individual(s) with hypophosphatemia (Invitae). In summary, the available evidence is currently insufficient to determine the role of this variant in disease. Therefore, it has been classified as a Variant of Uncertain Significance. Nucleotide substitutions within the consensus splice site are a relatively common cause of aberrant splicing (PMID: 17576681, 9536098). Algorithms developed to predict the effect of sequence changes on RNA splicing suggest that this variant may disrupt the consensus splice site, but this prediction has not been confirmed by published transcriptional studies.

Blueprint Genetics
Classification: Likely pathogenic for PHEX-related disorders. Last evaluated: 2020-12-01. Review status: criteria provided, single submitter. Criteria: ACMG Guidelines, 2015. Collection method: clinical testing. Allele origin: germline. Affected: yes. Observed: 1 variant allele.

Literature cited by the submitters: PubMed 17576681 (cited by Labcorp Genetics (formerly Invitae), Labcorp); PubMed 9536098 (cited by Labcorp Genetics (formerly Invitae), Labcorp).

NM_000444.6(PHEX):c.1645+4A>C

Gene: PHEX (phosphate regulating endopeptidase X-linked; plus strand). Cytogenetic location: Xp22.11.
Variant type: single nucleotide variant.
Coding change: c.1645+4A>C on transcript NM_000444.6 (MANE Select); 4 bases into the intron after coding-DNA position 1645, A replaced by C.
Molecular consequence: intron variant.
Genome position (GRCh38, 1-based): chrX:22,190,506, A>C. VCF-style: chrX-22190506-A-C. GRCh37 (hg19) VCF-style: chrX-22208623-A-C.
Other names: c.1645+4A>C (NM_001282754.2).
Identifiers: ClinVar variation 1523164 (VCV001523164.10), dbSNP rs2147139133, ClinGen allele CA2573158625.